The following is an entry in ClinVar:

ClinVar aggregate classification (germline): Uncertain significance (1 of 4 stars; one submission).

Conditions:
von Willebrand disease type 2 (VWD2). Also called: VON WILLEBRAND DISEASE, TYPE II; VWD, TYPE 2; VON WILLEBRAND DISEASE, TYPE 2A/IIE; VON WILLEBRAND DISEASE, TYPE 2CB. Identifiers: Orphanet 166081, Orphanet 903, MedGen C1264040, MONDO:0013304, OMIM 613554.

Submission:

ISTH-SSC Genomics in Thrombosis and Hemostasis, KU Leuven, Center for Molecular and Vascular Biology
Classification: Uncertain significance for von Willebrand disease type 2. Review status: criteria provided, single submitter. Criteria: ACMG Guidelines, 2015. Collection method: clinical testing. Allele origin: germline. Affected: yes. Observed: 1 heterozygote.
Comment: Submitted to the GoldVariant database by Kathleen Freson, Center for Molecular and Vascular Biology

NM_000552.5(VWF):c.3530G>A (p.Cys1177Tyr)

Gene: VWF (von Willebrand factor; minus strand). Cytogenetic location: 12p13.31.
Variant type: single nucleotide variant.
Coding change: c.3530G>A on transcript NM_000552.5 (MANE Select); coding-DNA position 3530, G replaced by A.
Protein change: p.Cys1177Tyr; replaces cysteine 1177 with tyrosine.
Molecular consequence: missense variant.
Genome position (GRCh38, 1-based): chr12:6,022,748, C>T on the plus strand (G>A on the coding strand, the complement: VWF is on the minus strand). VCF-style: chr12-6022748-C-T. GRCh37 (hg19) VCF-style: chr12-6131914-C-T.
Other names: short protein forms C1177Y.
Identifiers: ClinVar variation 2572158 (VCV002572158.1), dbSNP rs2497525944, ClinGen allele CA383511160.